The following is an entry in ClinVar:

NM_004985.5(KRAS):c.332T>C (p.Met111Thr)

Gene: KRAS (KRAS proto-oncogene, GTPase; minus strand). Cytogenetic location: 12p12.1.
Variant type: single nucleotide variant.
Coding change: c.332T>C on transcript NM_004985.5 (MANE Select); coding-DNA position 332, T replaced by C.
Protein change: p.Met111Thr; replaces methionine 111 with threonine.
Molecular consequence: missense variant.
Genome position (GRCh38, 1-based): chr12:25,225,732, A>G on the plus strand (T>C on the coding strand, the complement: KRAS is on the minus strand). VCF-style: chr12-25225732-A-G. GRCh37 (hg19) VCF-style: chr12-25378666-A-G.
Other names: c.332T>C, p.Met111Thr (NM_001369786.1, NM_001369787.1, NM_033360.4); short protein forms M111T.
Identifiers: ClinVar variation 1512544 (VCV001512544.8), dbSNP rs1951384675, ClinGen allele CA384151526.

ClinVar aggregate classification (germline): Uncertain significance (1 of 4 stars; one submission).

Conditions:
RASopathy. Also called: Noonan spectrum disorder; rasopathies. Identifiers: Orphanet 536391, MedGen C5555857, MONDO:0021060.

Submission:

Labcorp Genetics (formerly Invitae), Labcorp
Classification: Uncertain significance for RASopathy. Last evaluated: 2022-09-01. Review status: criteria provided, single submitter. Criteria: Invitae Variant Classification Sherloc (09022015). Collection method: clinical testing. Allele origin: germline.
Comment: This sequence change replaces methionine, which is neutral and non-polar, with threonine, which is neutral and polar, at codon 111 of the KRAS protein (p.Met111Thr). In summary, the available evidence is currently insufficient to determine the role of this variant in disease. Therefore, it has been classified as a Variant of Uncertain Significance. Advanced modeling of protein sequence and biophysical properties (such as structural, functional, and spatial information, amino acid conservation, physicochemical variation, residue mobility, and thermodynamic stability) performed at Invitae indicates that this missense variant is expected to disrupt KRAS protein function. ClinVar contains an entry for this variant (Variation ID: 1512544). This variant has not been reported in the literature in individuals affected with KRAS-related conditions. This variant is not present in population databases (gnomAD no frequency).